The following is an entry in ClinVar:

ClinVar aggregate classification (germline): Pathogenic (1 of 4 stars; one submission).

Submission:

Labcorp Genetics (formerly Invitae), Labcorp
Classification: Pathogenic. Last evaluated: 2022-10-04. Review status: criteria provided, single submitter. Criteria: Invitae Variant Classification Sherloc (09022015). Collection method: clinical testing. Allele origin: germline.
Comment: This sequence change creates a premature translational stop signal (p.Thr383Profs*10) in the IFT81 gene. It is expected to result in an absent or disrupted protein product. Loss-of-function variants in IFT81 are known to be pathogenic (PMID: 26275418, 27666822). For these reasons, this variant has been classified as Pathogenic. This variant is not present in population databases (gnomAD no frequency). This variant has not been reported in the literature in individuals affected with IFT81-related conditions.

Literature cited by the submitters: PubMed 26275418; PubMed 27666822.

NM_014055.4(IFT81):c.1147del (p.Thr383fs)

Gene: IFT81 (intraflagellar transport 81; plus strand). Cytogenetic location: 12q24.11.
Variant type: Deletion.
Coding change: c.1147del on transcript NM_014055.4 (MANE Select); coding-DNA position 1147, one base deleted (A; older notation c.1147delA).
Protein change: p.Thr383fs; shifts the reading frame from threonine 383.
Molecular consequence: frameshift variant. On other transcripts: non-coding transcript variant (4).
Genome position (GRCh38, 1-based): chr12:110,163,024, A deleted. VCF-style (leftmost placement, unchanged base first): chr12-110163023-GA-G. GRCh37 (hg19) VCF-style: chr12-110600828-GA-G.
Other names: c.1147del, p.Thr383fs (NM_001143779.2, NM_001347946.2, NM_031473.4); c.217del, p.Thr73fs (NM_001347947.2, NM_001347948.2); short protein forms T383fs, T73fs.
Identifiers: ClinVar variation 2034068 (VCV002034068.4), dbSNP rs2499922365, ClinGen allele CA2580085809.
Genomic context (GRCh38, chr12:110,163,023, plus strand): 5'-TCAGGAGGCCAAGGAGAAGTTAGCCAGCCTAGAGAGAGAAGCATCAGTAAAGAGAAATCA[GA>G]CCCGTGAATTTGATGGTACTGAAGTTTTAAAGGGAGATGAGGTAAGCTGAGCCATCTCAT-3'